The following is an entry in ClinVar:

ClinVar aggregate classification (germline): Likely benign. Review status: criteria provided, multiple submitters, no conflicts (2 of 4 stars). 3 submissions from 3 submitters: Likely benign (2). 1 of the submissions does not count toward it. Last evaluated 2026-09-01.

Conditions:
NUP107-related disorder. Also called: NUP107-related condition.

Allele frequency attached by ClinVar (database versions not stated): 1000 Genomes Project 0.00060; 1000 Genomes Project 30x 0.00078; ExAC 0.00093; gnomAD exomes 0.00116 and 0.00194; ESP Exome Variant Server 0.00131; gnomAD 0.00135 and 0.00136; TOPMed 0.00137.
gnomAD v4.1: 3,014 of 1,613,202 alleles (0.19%); highest among the groups gnomAD compares: Non-Finnish European, 0.24%; 3 homozygotes.

Submissions (3):

CeGaT Center for Human Genetics Tuebingen
Classification: Likely benign. Last evaluated: 2026-09-01. Review status: criteria provided, single submitter. Criteria: CeGaT Center For Human Genetics Tuebingen Variant Classification Criteria Version 2. Collection method: clinical testing. Allele origin: germline. Affected: yes. Observed: 2 variant alleles.
Comment: NUP107: BP4

Labcorp Genetics (formerly Invitae), Labcorp
Classification: Likely benign. Last evaluated: 2025-12-22. Review status: criteria provided, single submitter. Criteria: Invitae Variant Classification Sherloc (09022015). Collection method: clinical testing. Allele origin: germline.

PreventionGenetics, part of Exact Sciences
Classification: Likely benign for NUP107-related condition. Last evaluated: 2022-04-06. Review status: no assertion criteria provided. Collection method: clinical testing. Allele origin: germline. Not counted in ClinVar's aggregate classification.
Comment: This variant is classified as likely benign based on ACMG/AMP sequence variant interpretation guidelines (Richards et al. 2015 PMID: 25741868, with internal and published modifications).

NM_020401.4(NUP107):c.1207T>C (p.Tyr403His)

Gene: NUP107 (nucleoporin 107; plus strand). Cytogenetic location: 12q15.
Variant type: single nucleotide variant.
Coding change: c.1207T>C on transcript NM_020401.4 (MANE Select); coding-DNA position 1207, T replaced by C.
Protein change: p.Tyr403His; replaces tyrosine 403 with histidine.
Molecular consequence: missense variant.
Genome position (GRCh38, 1-based): chr12:68,719,610, T>C. VCF-style: chr12-68719610-T-C. GRCh37 (hg19) VCF-style: chr12-69113390-T-C.
Other names: c.1207T>C (NM_020401.3); c.1120T>C, p.Tyr374His (NM_001330192.2); short protein forms Y374H, Y403H.
Identifiers: ClinVar variation 1622149 (VCV001622149.33), dbSNP rs142470451, ClinGen allele CA6677691.